The following is an entry in ClinVar:

ClinVar aggregate classification (germline): Pathogenic. Review status: criteria provided, single submitter (1 of 4 stars). 2 submissions from 2 submitters: Pathogenic (1). 1 of the submissions does not count toward it. Last evaluated 2020-10-06.

Conditions:
Elevated circulating creatine kinase activity. Also called: Elevated serum creatine phosphokinase; Elevated circulating creatine kinase concentration; Elevated creatine kinase. Identifiers: MedGen C0241005, HP:0003236.
Autosomal recessive limb-girdle muscular dystrophy type 2T. Also called: MUSCULAR DYSTROPHY-DYSTROGLYCANOPATHY, LIMB-GIRDLE, GMPPB-RELATED; MUSCULAR DYSTROPHY, LIMB-GIRDLE, TYPE 2T; Muscular dystrophy-dystroglycanopathy (limb-girdle), type c, 14; Limb-girdle muscular dystrophy-dystroglycanopathy, type C14. Identifiers: Orphanet 363623, MedGen C4518000, MONDO:0014142, OMIM 615352.

Submissions (2):

Human Genome Lab, NIMHANS, National Institute of Mental Health and Neuro Sciences
Classification: Pathogenic for Autosomal recessive limb-girdle muscular dystrophy type 2T. Last evaluated: 2020-10-06. Review status: criteria provided, single submitter. Criteria: ACMG Guidelines, 2015. Collection method: clinical testing. Allele origin: biparental. Inheritance: Autosomal recessive inheritance. Affected: yes. Observed: 1 homozygote.
Comment: The p.Met120Val variant in GMPPB has been observed in homozygous state in two affected siblings. The p.Met120Val variant is novel (not in any individuals) in 1kG All, in gnomAD and in our inhouse database. The p.Met120Val variant is predicted to cause a small physicochemical difference between methionine and valine, which is not likely to impact secondary protein structure as these residues share similar properties. The gene GMPPB has a low rate of benign missense variation as indicated by a high missense variants Z-Score of 1.13. The gene GMPPB contains 19 pathogenic missense variants, indicating that missense variants are a common mechanism of disease in this gene. The p.Met120Val missense variant is predicted to be damaging by both SIFT and PolyPhen2. The variant falls in the highly conserved nucleotidyl transferase domain. The methionine residue at codon 120 of GMPPB is conserved in all mammalian species. The nucleotide c.358 in GMPPB is predicted conserved by GERP++ and PhyloP across 100 vertebrates. The variant cosegregates with the disease in multiple affected family members. The patient's phenotype or family history is highly specific for a disease with a single genetic etiology. For these reasons, this variant has been classified as Pathogenic.

Institute of Human Genetics, University of Wuerzburg
Classification: Likely pathogenic for Elevated circulating creatine kinase activity. Review status: no assertion criteria provided. Collection method: clinical testing. Allele origin: unknown. Not counted in ClinVar's aggregate classification.

NM_021971.4(GMPPB):c.358A>G (p.Met120Val)

Gene: GMPPB (GDP-mannose pyrophosphorylase B; minus strand). Cytogenetic location: 3p21.31.
Variant type: single nucleotide variant.
Coding change: c.358A>G on transcript NM_021971.4 (MANE Select); coding-DNA position 358, A replaced by G.
Protein change: p.Met120Val; replaces methionine 120 with valine.
Molecular consequence: missense variant.
Genome position (GRCh38, 1-based): chr3:49,723,016, T>C on the plus strand (A>G on the coding strand, the complement: GMPPB is on the minus strand). VCF-style: chr3-49723016-T-C. GRCh37 (hg19) VCF-style: chr3-49760449-T-C.
Other names: c.358A>G, p.Met120Val (NM_013334.4); short protein forms M120V.
Identifiers: ClinVar variation 560362 (VCV000560362.7), dbSNP rs1559697515, ClinGen allele CA352829578.